The following is an entry in ClinVar:

NM_001005522.2(OR2T8):c.93T>C (p.Ser31=)

Gene: OR2T8 (olfactory receptor family 2 subfamily T member 8; plus strand). Cytogenetic location: 1q44.
Variant type: single nucleotide variant.
Coding change: c.93T>C on transcript NM_001005522.2 (MANE Select); coding-DNA position 93, T replaced by C.
Protein change: p.Ser31=; no amino-acid change (serine 31 retained).
Molecular consequence: synonymous variant.
Genome position (GRCh38, 1-based): chr1:247,921,110, T>C. VCF-style: chr1-247921110-T-C. GRCh37 (hg19) VCF-style: chr1-248084412-T-C.
Identifiers: ClinVar variation 2640248 (VCV002640248.24), dbSNP rs201400439, ClinGen allele CA1498770.
Genomic context (GRCh38, chr1:247,921,110, plus strand): 5'-TCTCCTAGGACTCTTTAACCACACCAGAGCCCACCAAGTCCTCTTCATGATGGTTCTGAG[T>C]ATCGTTTTGACCTCCCTGTTTGGCAATTCCCTCATGATTCTCCTGATTCACTGGGACCAC-3'
Protein context (NP_001005522.1, residues 21-41): AHQVLFMMVL[Ser31=]IVLTSLFGNS

ClinVar aggregate classification (germline): Likely benign (1 of 4 stars; one submission).

Allele frequency attached by ClinVar (database versions not stated): ExAC 0.00030; gnomAD exomes 0.00042; 1000 Genomes Project 0.00339; gnomAD 0.00398; 1000 Genomes Project 30x 0.00656.

Submission:

CeGaT Center for Human Genetics Tuebingen
Classification: Likely benign. Last evaluated: 2023-09-01. Review status: criteria provided, single submitter. Criteria: CeGaT Center For Human Genetics Tuebingen Variant Classification Criteria Version 2. Collection method: clinical testing. Allele origin: germline. Affected: yes. Observed: 1 variant allele.
Comment: OR2T8: BP4, BP7, BS2